The following is an entry in ClinVar:

ClinVar aggregate classification (germline): Uncertain significance (1 of 4 stars; one submission).

Conditions:
Intellectual developmental disorder with or without epilepsy or cerebellar ataxia. Identifiers: MedGen C4748041, MONDO:0060745, OMIM 618060.

gnomAD v4.1: 2 of 1,613,886 alleles (0.00012%); highest among the groups gnomAD compares: Non-Finnish European, 0.000085%; no homozygotes.

Submission:

OLLIN Analises Genomicas, OLLIN
Classification: Uncertain significance for Intellectual developmental disorder with or without epilepsy or cerebellar ataxia. Last evaluated: 2026-08-06. Review status: criteria provided, single submitter. Criteria: ACMG Guidelines 2015 PMID 25741868. Collection method: clinical testing. Allele origin: germline.
Comment: This missense variant, located in exon 4 (of 11), has been observed in gnomAD with an allele frequency of 0.00012%, but has not been reported in ClinVar or identified in the literature. In silico analysis predicts that this variant has a deleterious effect. This gene is constrained for missense variation. According to the currently available evidence, this variant has been classified as uncertain significance (PP3, PP2).

NM_134261.3(RORA):c.332G>A (p.Arg111His)

Genes: RORA (RAR related orphan receptor A; minus strand), RORA-AS1 (RORA antisense RNA 1; plus strand). Cytogenetic location: 15q22.2.
Variant type: single nucleotide variant.
Coding change: c.332G>A on transcript NM_134261.3 (MANE Select); coding-DNA position 332, G replaced by A.
Protein change: p.Arg111His; replaces arginine 111 with histidine.
Molecular consequence: missense variant.
Genome position (GRCh38, 1-based): chr15:60,514,708, C>T on the plus strand (G>A on the coding strand, the complement: RORA is on the minus strand). VCF-style: chr15-60514708-C-T. GRCh37 (hg19) VCF-style: chr15-60806907-C-T.
Other names: c.407G>A, p.Arg136His (NM_002943.4); c.431G>A, p.Arg144His (NM_134260.3); c.167G>A, p.Arg56His (NM_134262.3); short protein forms R144H, R111H, R56H, R136H.
Identifiers: ClinVar variation 5002794 (VCV005002794.1).